The following is an entry in ClinVar:

NM_138409.4(MRAP2):c.228-1809G>A

Gene: MRAP2 (melanocortin 2 receptor accessory protein 2; plus strand). Cytogenetic location: 6q14.2.
Variant type: single nucleotide variant.
Coding change: c.228-1809G>A on transcript NM_138409.4 (MANE Select); 1809 bases into the intron before coding-DNA position 228, G replaced by A.
Molecular consequence: intron variant. On other transcripts: splice donor variant (1).
Genome position (GRCh38, 1-based): chr6:84,087,282, G>A. VCF-style: chr6-84087282-G-A. GRCh37 (hg19) VCF-style: chr6-84797001-G-A.
Other names: c.228-1809G>A (NM_001346542.2, NM_001346544.2); c.62+1G>A (NM_001346543.2); c.-31-1809G>A (NM_001346541.2).
Identifiers: ClinVar variation 4979950 (VCV004979950.1).

ClinVar aggregate classification (germline): Uncertain significance (1 of 4 stars; one submission).

Conditions:
MRAP2-related disorder. Also called: MRAP2-related condition.

gnomAD v4.1: 1 of 152,148 alleles (0.00066%); highest among the groups gnomAD compares: Admixed American, 0.0065%; no homozygotes.

Submission:

PreventionGenetics, part of Exact Sciences
Classification: Uncertain significance for MRAP2-related condition. Last evaluated: 2026-01-27. Review status: criteria provided, single submitter. Criteria: ACMG Guidelines, 2015. Collection method: clinical testing. Allele origin: germline.
Comment: The MRAP2 c.62+1G>A variant is predicted to disrupt the GT donor site and interfere with normal splicing. To our knowledge, this variant has not been reported in the literature or in a large population database (gnomAD), indicating this variant is rare. At this time, the clinical significance of this variant is uncertain due to the absence of conclusive functional and genetic evidence.